The following is an entry in ClinVar:

NM_000075.4(CDK4):c.311T>A (p.Leu104Gln)

Gene: CDK4 (cyclin dependent kinase 4; minus strand). Cytogenetic location: 12q14.1.
Variant type: single nucleotide variant.
Coding change: c.311T>A on transcript NM_000075.4 (MANE Select); coding-DNA position 311, T replaced by A.
Protein change: p.Leu104Gln; replaces leucine 104 with glutamine.
Molecular consequence: missense variant.
Genome position (GRCh38, 1-based): chr12:57,751,250, A>T on the plus strand (T>A on the coding strand, the complement: CDK4 is on the minus strand). VCF-style: chr12-57751250-A-T. GRCh37 (hg19) VCF-style: chr12-58145033-A-T.
Other names: short protein forms L104Q.
Identifiers: ClinVar variation 1717809 (VCV001717809.5), dbSNP rs2140387316, ClinGen allele CA385547756.

ClinVar aggregate classification (germline): Uncertain significance (1 of 4 stars; one submission).

Conditions:
Familial melanoma. Also called: Hereditary melanoma; Hereditary cutaneous melanoma. Identifiers: Orphanet 618, MedGen C1512419, MONDO:0018961.

Submission:

Labcorp Genetics (formerly Invitae), Labcorp
Classification: Uncertain significance for Familial melanoma. Last evaluated: 2022-08-23. Review status: criteria provided, single submitter. Criteria: Invitae Variant Classification Sherloc (09022015). Collection method: clinical testing. Allele origin: germline.
Comment: In summary, the available evidence is currently insufficient to determine the role of this variant in disease. Therefore, it has been classified as a Variant of Uncertain Significance. Advanced modeling of protein sequence and biophysical properties (such as structural, functional, and spatial information, amino acid conservation, physicochemical variation, residue mobility, and thermodynamic stability) performed at Invitae indicates that this missense variant is expected to disrupt CDK4 protein function. This variant has not been reported in the literature in individuals affected with CDK4-related conditions. This variant is not present in population databases (gnomAD no frequency). This sequence change replaces leucine, which is neutral and non-polar, with glutamine, which is neutral and polar, at codon 104 of the CDK4 protein (p.Leu104Gln).